The following is an entry in ClinVar:

ClinVar aggregate classification (germline): Uncertain significance (1 of 4 stars; one submission).

Allele frequency attached by ClinVar (database versions not stated): gnomAD exomes below 0.00001; TOPMed below 0.00001.
gnomAD v4.1: 6 of 1,614,192 alleles (0.00037%); highest among the groups gnomAD compares: Non-Finnish European, 0.00042%; no homozygotes.

Submission:

Labcorp Genetics (formerly Invitae), Labcorp
Classification: Uncertain significance. Last evaluated: 2024-11-18. Review status: criteria provided, single submitter. Criteria: Invitae Variant Classification Sherloc (09022015). Collection method: clinical testing. Allele origin: germline.
Comment: This sequence change replaces isoleucine, which is neutral and non-polar, with valine, which is neutral and non-polar, at codon 1313 of the FLNB protein (p.Ile1313Val). This variant is not present in population databases (gnomAD no frequency). This variant has not been reported in the literature in individuals affected with FLNB-related conditions. ClinVar contains an entry for this variant (Variation ID: 2793863). Invitae Evidence Modeling of protein sequence and biophysical properties (such as structural, functional, and spatial information, amino acid conservation, physicochemical variation, residue mobility, and thermodynamic stability) indicates that this missense variant is not expected to disrupt FLNB protein function with a negative predictive value of 95%. In summary, the available evidence is currently insufficient to determine the role of this variant in disease. Therefore, it has been classified as a Variant of Uncertain Significance.

NM_001457.4(FLNB):c.3937A>G (p.Ile1313Val)

Gene: FLNB (filamin B; plus strand). Cytogenetic location: 3p14.3.
Variant type: single nucleotide variant.
Coding change: c.3937A>G on transcript NM_001457.4 (MANE Select); coding-DNA position 3937, A replaced by G.
Protein change: p.Ile1313Val; replaces isoleucine 1313 with valine.
Molecular consequence: missense variant.
Genome position (GRCh38, 1-based): chr3:58,125,619, A>G. VCF-style: chr3-58125619-A-G. GRCh37 (hg19) VCF-style: chr3-58111346-A-G.
Other names: c.3937A>G, p.Ile1313Val (NM_001164317.2, NM_001164318.2, NM_001164319.2); short protein forms I1313V.
Identifiers: ClinVar variation 2793863 (VCV002793863.3), dbSNP rs2097296427, ClinGen allele CA353349843.